The following is an entry in ClinVar:

NM_000391.4(TPP1):c.787C>T (p.Gln263Ter)

Gene: TPP1 (tripeptidyl peptidase 1; minus strand). Cytogenetic location: 11p15.4.
Variant type: single nucleotide variant.
Coding change: c.787C>T on transcript NM_000391.4 (MANE Select); coding-DNA position 787, C replaced by T.
Protein change: p.Gln263Ter; replaces glutamine 263 with a stop codon.
Molecular consequence: nonsense.
Genome position (GRCh38, 1-based): chr11:6,616,760, G>A on the plus strand (C>T on the coding strand, the complement: TPP1 is on the minus strand). VCF-style: chr11-6616760-G-A. GRCh37 (hg19) VCF-style: chr11-6637991-G-A.
Other names: short protein forms Q263*.
Identifiers: ClinVar variation 429701 (VCV000429701.11), dbSNP rs1131691539, ClinGen allele CA379475071.

ClinVar aggregate classification (germline): Pathogenic/Likely pathogenic. Review status: criteria provided, multiple submitters, no conflicts (2 of 4 stars). 4 submissions from 4 submitters: Pathogenic (3); Likely pathogenic (1). Last evaluated 2025-08-12.

Conditions:
Neuronal ceroid lipofuscinosis. Also called: Neuronal Ceroid Lipofuscinoses. Identifiers: Orphanet 216, Orphanet 79263, MedGen C0027877, MONDO:0016295. Disease mechanism: loss of function.
TPP1-related disorder. Also called: TPP1-related condition.

Allele frequency attached by ClinVar (database versions not stated): gnomAD exomes 0.00001.

Submissions (4):

GeneDx
Classification: Pathogenic. Last evaluated: 2025-08-12. Review status: criteria provided, single submitter. Criteria: GeneDx Variant Classification Process June 2021. Collection method: clinical testing. Allele origin: germline. Affected: yes.
Comment: Nonsense variant predicted to result in protein truncation or nonsense mediated decay in a gene for which loss of function is a known mechanism of disease; Not observed at significant frequency in large population cohorts (gnomAD); This variant is associated with the following publications: (PMID: 34992632)

Women's Health and Genetics/Laboratory Corporation of America, LabCorp
Classification: Pathogenic for Neuronal ceroid lipofuscinosis. Last evaluated: 2024-10-18. Review status: criteria provided, single submitter. Criteria: LabCorp Variant Classification Summary - May 2015. Collection method: clinical testing. Allele origin: germline.
Comment: Variant summary: TPP1 c.787C>T (p.Gln263X) results in a premature termination codon, predicted to cause a truncation of the encoded protein or absence of the protein due to nonsense mediated decay, which are commonly known mechanisms for disease. The variant was absent in 251396 control chromosomes. To our knowledge, no occurrence of c.787C>T in individuals affected with Neuronal Ceroid-Lipofuscinosis (Batten Disease) and no experimental evidence demonstrating its impact on protein function have been reported. ClinVar contains an entry for this variant (Variation ID: 429701). Based on the evidence outlined above, the variant was classified as pathogenic.

Labcorp Genetics (formerly Invitae), Labcorp
Classification: Pathogenic. Last evaluated: 2024-04-29. Review status: criteria provided, single submitter. Criteria: Invitae Variant Classification Sherloc (09022015). Collection method: clinical testing. Allele origin: germline.
Comment: This sequence change creates a premature translational stop signal (p.Gln263*) in the TPP1 gene. It is expected to result in an absent or disrupted protein product. Loss-of-function variants in TPP1 are known to be pathogenic (PMID: 10330339). This variant is not present in population databases (gnomAD no frequency). This variant has not been reported in the literature in individuals affected with TPP1-related conditions. ClinVar contains an entry for this variant (Variation ID: 429701). Algorithms developed to predict the effect of sequence changes on RNA splicing suggest that this variant may disrupt the consensus splice site. For these reasons, this variant has been classified as Pathogenic.

Blueprint Genetics
Classification: Likely pathogenic for TPP1-related disorders. Last evaluated: 2022-10-17. Review status: criteria provided, single submitter. Criteria: ACMG Guidelines, 2015. Collection method: clinical testing. Allele origin: germline. Affected: yes. Observed: 1 variant allele.

Literature cited by the submitters: PubMed 10330339 (cited by Labcorp Genetics (formerly Invitae), Labcorp).